The following is an entry in ClinVar:

ClinVar aggregate classification (germline): Pathogenic (3 of 4 stars; one submission).

Conditions:
Breast-ovarian cancer, familial, susceptibility to, 2 (BROVCA2). Also called: BRCA2 Hereditary Breast and Ovarian Cancer. Identifiers: Orphanet 145, MedGen C2675520, MONDO:0012933, OMIM 612555. Disease mechanism: loss of function.

Submission:

Evidence-based Network for the Interpretation of Germline Mutant Alleles (ENIGMA)
Classification: Pathogenic for Breast-ovarian cancer, familial, susceptibility to, 2. Last evaluated: 2017-12-15. Review status: reviewed by expert panel. Criteria: ENIGMA BRCA1/2 Classification Criteria (2017-06-29). Collection method: curation. Allele origin: germline. Study: ENIGMA.
Comment: Variant allele predicted to encode a truncated non-functional protein.

NM_000059.4(BRCA2):c.9517_9518insCTAAGTCAAATGTTTTCAAAACAATTGACATTGTTTTCTT (p.Cys3173fs)

Gene: BRCA2 (BRCA2 DNA repair associated; plus strand). Cytogenetic location: 13q13.1.
Variant type: Insertion.
Coding change: c.9517_9518insCTAAGTCAAATGTTTTCAAAACAATTGACATTGTTTTCTT on transcript NM_000059.4 (MANE Select); coding-DNA positions 9517 to 9518, CTAAGTCAAATGTTTTCAAAACAATTGACATTGTTTTCTT inserted.
Protein change: p.Cys3173fs; shifts the reading frame from cysteine 3173.
Molecular consequence: frameshift variant.
Genome position: GRCh38: chr13:32,396,913-32,396,914. GRCh37 (hg19): chr13:32,971,050-32,971,051.
Other names: short protein forms C3173fs.
Identifiers: ClinVar variation 548388 (VCV000548388.1), dbSNP rs1555289771, ClinGen allele CA658823590.